The following is an entry in ClinVar:

ClinVar aggregate classification (germline): Uncertain significance (1 of 4 stars; one submission).

Conditions:
Developmental and epileptic encephalopathy, 19 (DEE19). Also called: Epileptic encephalopathy, early infantile, 19. Identifiers: Orphanet 33069, MedGen C3810400, MONDO:0014328, OMIM 615744.

Submission:

3billion
Classification: Uncertain significance for Developmental and epileptic encephalopathy, 19. Last evaluated: 2025-08-18. Review status: criteria provided, single submitter. Criteria: ACMG Guidelines, 2015. Collection method: clinical testing. Allele origin: germline. Affected: yes.
Comment: The variant is not observed in the gnomAD v4.1.0 dataset. Predicted Consequence/Location: Missense variant. Missense changes are a common disease-causing mechanism. Therefore, this variant is classified as VUS according to the recommendation of ACMG/AMP guideline.

NM_001127644.2(GABRA1):c.26A>G (p.Asp9Gly)

Gene: GABRA1 (gamma-aminobutyric acid type A receptor subunit alpha1; plus strand). Cytogenetic location: 5q34.
Variant type: single nucleotide variant.
Coding change: c.26A>G on transcript NM_001127644.2 (MANE Select); coding-DNA position 26, A replaced by G.
Protein change: p.Asp9Gly; replaces aspartic acid 9 with glycine.
Molecular consequence: missense variant.
Genome position (GRCh38, 1-based): chr5:161,850,836, A>G. VCF-style: chr5-161850836-A-G. GRCh37 (hg19) VCF-style: chr5-161277842-A-G.
Other names: c.26A>G, p.Asp9Gly (NM_001127645.2, NM_001127648.2, NM_000806.5 and 1 more transcripts); short protein forms D9G.
Identifiers: ClinVar variation 4854838 (VCV004854838.1).
Genomic context (GRCh38, chr5:161,850,836, plus strand): 5'-CTACTTATTCTACTTTTCAGCTGCTCCAGCCCGCGATGAGGAAAAGTCCAGGTCTGTCTG[A>G]CTGTCTTTGGGCCTGGATCCTCCTTCTGAGCACACTGACTGGAAGAAGGTGGGGACACTT-3'
Protein context (NP_001121116.1, residues 1-19): MRKSPGLS[Asp9Gly]CLWAWILLLS